The following is an entry in ClinVar:

NM_004082.5(DCTN1):c.2948C>A (p.Ala983Asp)

Gene: DCTN1 (dynactin subunit 1; minus strand). Cytogenetic location: 2p13.1.
Variant type: single nucleotide variant.
Coding change: c.2948C>A on transcript NM_004082.5 (MANE Select); coding-DNA position 2948, C replaced by A.
Protein change: p.Ala983Asp; replaces alanine 983 with aspartic acid.
Molecular consequence: missense variant. On other transcripts: non-coding transcript variant (1).
Genome position (GRCh38, 1-based): chr2:74,365,596, G>T on the plus strand (C>A on the coding strand, the complement: DCTN1 is on the minus strand). VCF-style: chr2-74365596-G-T. GRCh37 (hg19) VCF-style: chr2-74592723-G-T.
Other names: c.2888C>A, p.Ala963Asp (NM_001135040.3); c.2546C>A, p.Ala849Asp (NM_001135041.3, NM_023019.4); c.2837C>A, p.Ala946Asp (NM_001190836.2); c.2927C>A, p.Ala976Asp (NM_001190837.2); c.2897C>A, p.Ala966Asp (NM_001378991.1); c.2879C>A, p.Ala960Asp (NM_001378992.1); short protein forms A849D, A946D, A960D, A963D, A966D, A976D, A983D.
Identifiers: ClinVar variation 3755635 (VCV003755635.2).

ClinVar aggregate classification (germline): Uncertain significance (1 of 4 stars; one submission).

Conditions:
Amyotrophic lateral sclerosis type 1 (ALS1). Also called: AMYOTROPHIC LATERAL SCLEROSIS 1, FAMILIAL. Identifiers: Orphanet 803, MedGen C1862939, MONDO:0007103, OMIM 105400.
Neuronopathy, distal hereditary motor, type 7B. Also called: HMN VIIB; LOWER MOTOR NEURON DISEASE, DYNACTIN TYPE; NEURONOPATHY, DISTAL HEREDITARY MOTOR, AUTOSOMAL DOMINANT 14; NEURONOPATHY, DISTAL HEREDITARY MOTOR, HARDING TYPE VIIB; NEUROPATHY, DISTAL HEREDITARY MOTOR, HARDING TYPE VIIB; NEUROPATHY, DISTAL HEREDITARY MOTOR, WITH VOCAL CORD PARALYSIS, HARDING TYPE VIIB. Identifiers: Orphanet 139589, MedGen C1843315, MONDO:0011879, OMIM 607641.
Perry syndrome. Also called: PARKINSONISM WITH ALVEOLAR HYPOVENTILATION AND MENTAL DEPRESSION. Identifiers: Orphanet 178509, MedGen C1868594, MONDO:0008201, OMIM 168605.

Submission:

Labcorp Genetics (formerly Invitae), Labcorp
Classification: Uncertain significance for Amyotrophic lateral sclerosis type 1; Neuronopathy, distal hereditary motor, type 7B; Perry syndrome. Last evaluated: 2024-04-02. Review status: criteria provided, single submitter. Criteria: Invitae Variant Classification Sherloc (09022015). Collection method: clinical testing. Allele origin: germline.
Comment: This sequence change replaces alanine, which is neutral and non-polar, with aspartic acid, which is acidic and polar, at codon 983 of the DCTN1 protein (p.Ala983Asp). This variant is not present in population databases (gnomAD no frequency). This variant has not been reported in the literature in individuals affected with DCTN1-related conditions. Advanced modeling of protein sequence and biophysical properties (such as structural, functional, and spatial information, amino acid conservation, physicochemical variation, residue mobility, and thermodynamic stability) has been performed at Invitae for this missense variant, however the output from this modeling did not meet the statistical confidence thresholds required to predict the impact of this variant on DCTN1 protein function. In summary, the available evidence is currently insufficient to determine the role of this variant in disease. Therefore, it has been classified as a Variant of Uncertain Significance.